The following is an entry in ClinVar:

NM_198578.4(LRRK2):c.4259A>C (p.Asp1420Ala)

Gene: LRRK2 (leucine rich repeat kinase 2; plus strand). Cytogenetic location: 12q12.
Variant type: single nucleotide variant.
Coding change: c.4259A>C on transcript NM_198578.4 (MANE Select); coding-DNA position 4259, A replaced by C.
Protein change: p.Asp1420Ala; replaces aspartic acid 1420 with alanine.
Molecular consequence: missense variant.
Genome position (GRCh38, 1-based): chr12:40,309,175, A>C. VCF-style: chr12-40309175-A-C. GRCh37 (hg19) VCF-style: chr12-40702977-A-C.
Other names: short protein forms D1420A.
Identifiers: ClinVar variation 1739140 (VCV001739140.2), dbSNP rs2499818221, ClinGen allele CA384418109.
Genomic context (GRCh38, chr12:40,309,175, plus strand): 5'-AATTCTATAGTACTCATCCCCATTTTATGACGCAGCGAGCATTGTACCTTGCTGTCTATG[A>C]CCTCAGCAAGGGACAGGCTGAAGTTGATGCCATGAAGCCTTGGCTCTTCAATATAAAGGT-3'
Protein context (NP_940980.4, residues 1410-1430): TQRALYLAVY[Asp1420Ala]LSKGQAEVDA

ClinVar aggregate classification (germline): Uncertain significance (1 of 4 stars; one submission).

Conditions:
Inborn genetic diseases. Identifiers: MedGen C0950123, MeSH D030342.

Submission:

Ambry Genetics
Classification: Uncertain significance for Inborn genetic diseases. Last evaluated: 2022-07-05. Review status: criteria provided, single submitter. Criteria: Ambry Variant Classification Scheme 2023. Collection method: clinical testing. Allele origin: germline.
Comment: The p.D1420A variant (also known as c.4259A>C), located in coding exon 30 of the LRRK2 gene, results from an A to C substitution at nucleotide position 4259. The aspartic acid at codon 1420 is replaced by alanine, an amino acid with dissimilar properties. This amino acid position is conserved. In addition, this alteration is predicted to be deleterious by in silico analysis. Since supporting evidence is limited at this time, the clinical significance of this alteration remains unclear.